The following is an entry in ClinVar:

ClinVar aggregate classification (germline): Uncertain significance (1 of 4 stars; one submission).

Allele frequency attached by ClinVar (database versions not stated): ExAC 0.00001; TOPMed 0.00001; gnomAD 0.00002.
gnomAD v4.1: 25 of 1,603,518 alleles (0.0016%); highest among the groups gnomAD compares: Non-Finnish European, 0.0021%; no homozygotes.

Submission:

Labcorp Genetics (formerly Invitae), Labcorp
Classification: Uncertain significance. Last evaluated: 2022-12-02. Review status: criteria provided, single submitter. Criteria: Invitae Variant Classification Sherloc (09022015). Collection method: clinical testing. Allele origin: germline.
Comment: Algorithms developed to predict the effect of missense changes on protein structure and function are either unavailable or do not agree on the potential impact of this missense change (SIFT: "Tolerated"; PolyPhen-2: "Possibly Damaging"; Align-GVGD: "Class C0"). In summary, the available evidence is currently insufficient to determine the role of this variant in disease. Therefore, it has been classified as a Variant of Uncertain Significance. This variant has not been reported in the literature in individuals affected with PDE8B-related conditions. This variant is present in population databases (rs746578642, gnomAD 0.0009%). This sequence change replaces valine, which is neutral and non-polar, with methionine, which is neutral and non-polar, at codon 290 of the PDE8B protein (p.Val290Met).

NM_003719.5(PDE8B):c.868G>A (p.Val290Met)

Gene: PDE8B (phosphodiesterase 8B; plus strand). Cytogenetic location: 5q13.3.
Variant type: single nucleotide variant.
Coding change: c.868G>A on transcript NM_003719.5 (MANE Select); coding-DNA position 868, G replaced by A.
Protein change: p.Val290Met; replaces valine 290 with methionine.
Molecular consequence: missense variant.
Genome position (GRCh38, 1-based): chr5:77,344,923, G>A. VCF-style: chr5-77344923-G-A. GRCh37 (hg19) VCF-style: chr5-76640748-G-A.
Other names: c.505G>A, p.Val169Met (NM_001376066.1, NM_001376074.1); c.496G>A, p.Val166Met (NM_001376067.1, NM_001376068.1, NM_001376075.1 and 3 more transcripts); c.625G>A, p.Val209Met (NM_001376069.1); c.565G>A, p.Val189Met (NM_001376070.1, NM_001376072.1, NM_001376073.1 and 1 more transcripts); c.562G>A, p.Val188Met (NM_001376071.1, NM_001349752.3); c.931G>A, p.Val311Met (NM_001349749.3); c.628G>A, p.Val210Met (NM_001349750.3); c.865G>A, p.Val289Met (NM_001349751.3, NM_001376065.1, NM_001349748.3); and 2 more; short protein forms V166M, V189M, V209M, V210M, V311M, V188M, V289M, V290M.
Identifiers: ClinVar variation 2969028 (VCV002969028.3), dbSNP rs746578642, ClinGen allele CA3315059.
Genomic context (GRCh38, chr5:77,344,923, plus strand): 5'-TCAGTGTTTACAGCATTAGATCACTGTCATGAAGCCATAGAAATAACAAGCGATGACCAC[G>A]TGATTCAGGTATGGAAAGAAACCACCTCTATCATTAACATTCAAAATGAACCTTTCAGGT-3'
Protein context (NP_003710.1, residues 280-300): EAIEITSDDH[Val290Met]IQYVNPAFER